The following is an entry in ClinVar:

ClinVar aggregate classification (germline): Uncertain significance (1 of 4 stars; one submission).

Allele frequency attached by ClinVar (database versions not stated): gnomAD 0.00001.
gnomAD v4.1: 1 of 1,613,844 alleles (0.000062%); highest among the groups gnomAD compares: Admixed American, 0.0017%; no homozygotes.

Submission:

GeneDx
Classification: Uncertain significance. Last evaluated: 2019-10-22. Review status: criteria provided, single submitter. Criteria: GeneDx Variant Classification Process June 2021. Collection method: clinical testing. Allele origin: germline. Affected: yes.
Comment: Not observed in large population cohorts (Lek et al., 2016); In silico analysis, which includes protein predictors and evolutionary conservation, supports a deleterious effect; Has not been previously published as pathogenic or benign to our knowledge

NM_032634.4(PIGO):c.2495A>G (p.Tyr832Cys)

Gene: PIGO (phosphatidylinositol glycan anchor biosynthesis class O; minus strand). Cytogenetic location: 9p13.3.
Variant type: single nucleotide variant.
Coding change: c.2495A>G on transcript NM_032634.4 (MANE Select); coding-DNA position 2495, A replaced by G.
Protein change: p.Tyr832Cys; replaces tyrosine 832 with cysteine.
Molecular consequence: missense variant. On other transcripts: intron variant (2).
Genome position (GRCh38, 1-based): chr9:35,091,392, T>C on the plus strand (A>G on the coding strand, the complement: PIGO is on the minus strand). VCF-style: chr9-35091392-T-C. GRCh37 (hg19) VCF-style: chr9-35091389-T-C.
Other names: c.1345-101A>G (NM_152850.4, NM_001201484.2); short protein forms Y832C.
Identifiers: ClinVar variation 1309554 (VCV001309554.2), dbSNP rs891803907, ClinGen allele CA192709787.
Genomic context (GRCh38, chr9:35,091,392, plus strand): 5'-GCATGCAACAGCAGAAGTGGGAAGGCCAACAGGGTGAGGGCTGTGACCATAGCAGCTGAG[T>C]AGACACTCCCCAACTGATAAGCAGCCACAGTCAGGGGACCCTGAGATTTGGTCCTCTCTA-3'
Protein context (NP_116023.2, residues 822-842): TVAAYQLGSV[Tyr832Cys]SAAMVTALTL